The following is an entry in ClinVar:

NM_000143.4(FH):c.899T>C (p.Leu300Pro)

Gene: FH (fumarate hydratase; minus strand). Cytogenetic location: 1q43.
Variant type: single nucleotide variant.
Coding change: c.899T>C on transcript NM_000143.4 (MANE Select); coding-DNA position 899, T replaced by C.
Protein change: p.Leu300Pro; replaces leucine 300 with proline.
Molecular consequence: missense variant.
Genome position (GRCh38, 1-based): chr1:241,506,008, A>G on the plus strand (T>C on the coding strand, the complement: FH is on the minus strand). VCF-style: chr1-241506008-A-G. GRCh37 (hg19) VCF-style: chr1-241669308-A-G.
Other names: short protein forms L300P.
Identifiers: ClinVar variation 4745920 (VCV004745920.1).

ClinVar aggregate classification (germline): Uncertain significance (1 of 4 stars; one submission).

gnomAD v4.1: 1 of 1,613,940 alleles (0.000062%); highest among the groups gnomAD compares: African/African-American, 0.0013%; no homozygotes.

Submission:

Labcorp Genetics (formerly Invitae), Labcorp
Classification: Uncertain significance. Last evaluated: 2025-10-13. Review status: criteria provided, single submitter. Criteria: Invitae Variant Classification Sherloc (09022015). Collection method: clinical testing. Allele origin: germline.
Comment: This sequence change replaces leucine, which is neutral and non-polar, with proline, which is neutral and non-polar, at codon 300 of the FH protein (p.Leu300Pro). This variant is not present in population databases (gnomAD no frequency). This variant has not been reported in the literature in individuals affected with FH-related conditions. Invitae Evidence Modeling of protein sequence and biophysical properties (such as structural, functional, and spatial information, amino acid conservation, physicochemical variation, residue mobility, and thermodynamic stability) indicates that this missense variant is expected to disrupt FH protein function with a positive predictive value of 95%. In summary, the available evidence is currently insufficient to determine the role of this variant in disease. Therefore, it has been classified as a Variant of Uncertain Significance.